The following is an entry in ClinVar:

ClinVar aggregate classification (germline): Uncertain significance (1 of 4 stars; one submission).

Conditions:
Brugada syndrome. Also called: Sudden unexplained nocturnal death syndrome; Sudden unexpected nocturnal death syndrome; Sudden Unexplained Death Syndrome; Sudden Unexplained Nocturnal Death Syndrome (SUNDS). Identifiers: Orphanet 130, MedGen C1142166, MONDO:0015263.

Submission:

Labcorp Genetics (formerly Invitae), Labcorp
Classification: Uncertain significance for Brugada syndrome. Last evaluated: 2024-12-06. Review status: criteria provided, single submitter. Criteria: Invitae Variant Classification Sherloc (09022015). Collection method: clinical testing. Allele origin: germline.
Comment: This sequence change replaces tyrosine, which is neutral and polar, with leucine, which is neutral and non-polar, at codon 1174 of the SCN10A protein (p.Tyr1174Leu). Information on the frequency of this variant in the gnomAD database is not available, as this variant may be reported differently in the database. This variant has not been reported in the literature in individuals affected with SCN10A-related conditions. An algorithm developed to predict the effect of missense changes on protein structure and function (PolyPhen-2) suggests that this variant is likely to be tolerated. In summary, the available evidence is currently insufficient to determine the role of this variant in disease. Therefore, it has been classified as a Variant of Uncertain Significance.

NM_006514.4(SCN10A):c.3521_3522delinsTA (p.Tyr1174Leu)

Gene: SCN10A (sodium voltage-gated channel alpha subunit 10; minus strand). Cytogenetic location: 3p22.2.
Variant type: Indel.
Coding change: c.3521_3522delinsTA on transcript NM_006514.4 (MANE Select); coding-DNA positions 3521 to 3522, AT replaced by TA.
Protein change: p.Tyr1174Leu; replaces tyrosine 1174 with leucine.
Molecular consequence: missense variant.
Genome position (GRCh38, 1-based): chr3:38,718,812-38,718,813, AT replaced by TA on the plus strand (AT replaced by TA on the coding strand, the reverse complement: SCN10A is on the minus strand). VCF-style: chr3-38718812-AT-TA. GRCh37 (hg19) VCF-style: chr3-38760303-AT-TA.
Other names: c.3518_3519delinsTA, p.Tyr1173Leu (NM_001293306.2); c.3227_3228delinsTA, p.Tyr1076Leu (NM_001293307.2); short protein forms Y1174L, Y1076L, Y1173L.
Identifiers: ClinVar variation 3644422 (VCV003644422.2).